The following is an entry in ClinVar:

ClinVar aggregate classification (germline): Likely benign. Review status: criteria provided, multiple submitters, no conflicts (2 of 4 stars). 4 submissions from 4 submitters: Likely benign (4). Last evaluated 2025-12-03.

Conditions:
RASopathy. Also called: rasopathies; Noonan spectrum disorder. Identifiers: Orphanet 536391, MedGen C5555857, MONDO:0021060.

Allele frequency attached by ClinVar (database versions not stated): gnomAD 0.00005 and 0.00006; gnomAD exomes 0.00006 and 0.00007; TOPMed 0.00008; ExAC 0.00009.
gnomAD v4.1: 114 of 1,548,210 alleles (0.0074%); highest among the groups gnomAD compares: Non-Finnish European, 0.0083%; 1 homozygote.

Submissions (4):

Labcorp Genetics (formerly Invitae), Labcorp
Classification: Likely benign for RASopathy. Last evaluated: 2025-12-03. Review status: criteria provided, single submitter. Criteria: Invitae Variant Classification Sherloc (09022015). Collection method: clinical testing. Allele origin: germline.

Women's Health and Genetics/Laboratory Corporation of America, LabCorp
Classification: Likely benign. Last evaluated: 2024-12-12. Review status: criteria provided, single submitter. Criteria: LabCorp Variant Classification Summary - May 2015. Collection method: clinical testing. Allele origin: germline.

Blueprint Genetics
Classification: Likely benign. Last evaluated: 2023-07-21. Review status: criteria provided, single submitter. Criteria: ACMG Guidelines, 2015. Collection method: clinical testing. Allele origin: germline.

GeneDx
Classification: Likely benign. Last evaluated: 2015-12-17. Review status: criteria provided, single submitter. Criteria: GeneDx Variant Classification (06012015). Collection method: clinical testing. Allele origin: germline. Affected: yes.
Comment: This variant is considered likely benign or benign based on one or more of the following criteria: it is a conservative change, it occurs at a poorly conserved position in the protein, it is predicted to be benign by multiple in silico algorithms, and/or has population frequency not consistent with disease.

NM_002834.5(PTPN11):c.853+17C>T

Gene: PTPN11 (protein tyrosine phosphatase non-receptor type 11; plus strand). Cytogenetic location: 12q24.13.
Variant type: single nucleotide variant.
Coding change: c.853+17C>T on transcript NM_002834.5 (MANE Select); 17 bases into the intron after coding-DNA position 853, C replaced by T.
Molecular consequence: intron variant.
Genome position (GRCh38, 1-based): chr12:112,473,057, C>T. VCF-style: chr12-112473057-C-T. GRCh37 (hg19) VCF-style: chr12-112910861-C-T.
Other names: c.853+17C>T (NM_001330437.2, NM_080601.3); c.850+17C>T (NM_001374625.1).
Identifiers: ClinVar variation 382358 (VCV000382358.12), dbSNP rs746692191, ClinGen allele CA6798661.